The following is an entry in ClinVar:

ClinVar aggregate classification (germline): Uncertain significance. Review status: criteria provided, multiple submitters, no conflicts (2 of 4 stars). 3 submissions from 3 submitters: Uncertain significance (3). Last evaluated 2025-03-25.

Conditions:
Inborn genetic diseases. Identifiers: MedGen C0950123, MeSH D030342.

Allele frequency attached by ClinVar (database versions not stated): 1000 Genomes Project 0.00040; gnomAD 0.00041 and 0.00044; gnomAD exomes 0.00008 and 0.00011; TOPMed 0.00045; ExAC 0.00012; ESP Exome Variant Server 0.00023; 1000 Genomes Project 30x 0.00047.
gnomAD v4.1: 205 of 1,612,742 alleles (0.013%); highest among the groups gnomAD compares: African/African-American, 0.17%; 2 homozygotes.

Submissions (3):

GeneDx
Classification: Uncertain significance. Last evaluated: 2025-03-25. Review status: criteria provided, single submitter. Criteria: GeneDx Variant Classification Process June 2021. Collection method: clinical testing. Allele origin: germline. Affected: yes.
Comment: In silico analysis indicates that this missense variant does not alter protein structure/function; Has not been previously published as pathogenic or benign to our knowledge

Labcorp Genetics (formerly Invitae), Labcorp
Classification: Uncertain significance. Last evaluated: 2025-01-13. Review status: criteria provided, single submitter. Criteria: Invitae Variant Classification Sherloc (09022015). Collection method: clinical testing. Allele origin: germline.
Comment: This sequence change replaces histidine, which is basic and polar, with tyrosine, which is neutral and polar, at codon 471 of the HPS5 protein (p.His471Tyr). This variant is present in population databases (rs201582551, gnomAD 0.1%). This variant has not been reported in the literature in individuals affected with HPS5-related conditions. ClinVar contains an entry for this variant (Variation ID: 1386263). An algorithm developed to predict the effect of missense changes on protein structure and function (PolyPhen-2) suggests that this variant is likely to be disruptive. In summary, the available evidence is currently insufficient to determine the role of this variant in disease. Therefore, it has been classified as a Variant of Uncertain Significance.

Ambry Genetics
Classification: Uncertain significance for Inborn genetic diseases. Last evaluated: 2021-08-10. Review status: criteria provided, single submitter. Criteria: Ambry Variant Classification Scheme 2023. Collection method: clinical testing. Allele origin: germline.

NM_181507.2(HPS5):c.1411C>T (p.His471Tyr)

Gene: HPS5 (HPS5 biogenesis of lysosomal organelles complex 2 subunit 2; minus strand). Cytogenetic location: 11p15.1.
Variant type: single nucleotide variant.
Coding change: c.1411C>T on transcript NM_181507.2 (MANE Select); coding-DNA position 1411, C replaced by T.
Protein change: p.His471Tyr; replaces histidine 471 with tyrosine.
Molecular consequence: missense variant.
Genome position (GRCh38, 1-based): chr11:18,296,897, G>A on the plus strand (C>T on the coding strand, the complement: HPS5 is on the minus strand). VCF-style: chr11-18296897-G-A. GRCh37 (hg19) VCF-style: chr11-18318444-G-A.
Other names: c.1069C>T, p.His357Tyr (NM_007216.4, NM_181508.2); short protein forms H471Y, H357Y.
Identifiers: ClinVar variation 1386263 (VCV001386263.6), dbSNP rs201582551, ClinGen allele CA5910142.
Genomic context (GRCh38, chr11:18,296,897, plus strand): 5'-CCTCTTCCTGCTGTGAGGTGAATTCTTTAAATCTCTCATCTTCTGAGAGGGTTTGGCTGT[G>A]AAGGGAGCAAGAGTCTTCATCTGACTGACTGCCTCTTCTACTACTAATGATACGATAAAT-3'
Protein context (NP_852608.1, residues 461-481): SQSDEDSCSL[His471Tyr]SQTLSEDERF